The following is an entry in ClinVar:

NM_006231.4(POLE):c.5223G>C (p.Gln1741His)

Gene: POLE (DNA polymerase epsilon, catalytic subunit; minus strand). Cytogenetic location: 12q24.33.
Variant type: single nucleotide variant.
Coding change: c.5223G>C on transcript NM_006231.4 (MANE Select); coding-DNA position 5223, G replaced by C.
Protein change: p.Gln1741His; replaces glutamine 1741 with histidine.
Molecular consequence: missense variant.
Genome position (GRCh38, 1-based): chr12:132,641,802, C>G on the plus strand (G>C on the coding strand, the complement: POLE is on the minus strand). VCF-style: chr12-132641802-C-G. GRCh37 (hg19) VCF-style: chr12-133218388-C-G.
Other names: short protein forms Q1741H.
Identifiers: ClinVar variation 1381596 (VCV001381596.6), dbSNP rs184039394, ClinGen allele CA387376401.
Genomic context (GRCh38, chr12:132,641,802, plus strand): 5'-GATCACGTCGAAGCTGATCCCCATGCTGTCGGCCCCCTCCATGTCGTTGACATGGTGAGA[C>G]TGGAGAATGGTGTTGACGGCCAGGTTCTGAAGGTCCAGCTCCACACACACTGCACAGGAA-3'
Protein context (NP_006222.2, residues 1731-1751): LQNLAVNTIL[Gln1741His]SHHVNDMEGA

ClinVar aggregate classification (germline): Uncertain significance (1 of 4 stars; one submission).

gnomAD v4.1: 1 of 1,605,270 alleles (0.000062%); highest among the groups gnomAD compares: Non-Finnish European, 0.000085%; no homozygotes.

Submission:

Labcorp Genetics (formerly Invitae), Labcorp
Classification: Uncertain significance. Last evaluated: 2021-09-16. Review status: criteria provided, single submitter. Criteria: Invitae Variant Classification Sherloc (09022015). Collection method: clinical testing. Allele origin: germline.
Comment: In summary, the available evidence is currently insufficient to determine the role of this variant in disease. Therefore, it has been classified as a Variant of Uncertain Significance. Algorithms developed to predict the effect of missense changes on protein structure and function are either unavailable or do not agree on the potential impact of this missense change (SIFT: "Deleterious"; PolyPhen-2: "Possibly Damaging"; Align-GVGD: "Class C0"). This variant has not been reported in the literature in individuals affected with POLE-related conditions. This variant is not present in population databases (ExAC no frequency). This sequence change replaces glutamine with histidine at codon 1741 of the POLE protein (p.Gln1741His). The glutamine residue is highly conserved and there is a small physicochemical difference between glutamine and histidine.